The following is an entry in ClinVar:

ClinVar aggregate classification (germline): Uncertain significance (1 of 4 stars; one submission).

Submission:

GeneDx
Classification: Uncertain significance. Last evaluated: 2023-04-07. Review status: criteria provided, single submitter. Criteria: GeneDx Variant Classification Process June 2021. Collection method: clinical testing. Allele origin: germline. Affected: yes.
Comment: In silico analysis supports that this variant does not alter protein structure/function; Has not been previously published as pathogenic or benign to our knowledge

NM_003754.3(EIF3F):c.226_227delinsTG (p.Ala76Cys)

Gene: EIF3F (eukaryotic translation initiation factor 3 subunit F; plus strand). Cytogenetic location: 11p15.4.
Variant type: Indel.
Coding change: c.226_227delinsTG on transcript NM_003754.3 (MANE Select); coding-DNA positions 226 to 227, GC replaced by TG.
Protein change: p.Ala76Cys; replaces alanine 76 with cysteine.
Molecular consequence: missense variant.
Genome position (GRCh38, 1-based): chr11:7,987,578-7,987,579, GC replaced by TG. VCF-style: chr11-7987578-GC-TG. GRCh37 (hg19) VCF-style: chr11-8009125-GC-TG.
Other names: short protein forms A76C.
Identifiers: ClinVar variation 2662068 (VCV002662068.1), dbSNP rs2495431760, ClinGen allele CA2695201078.
Genomic context (GRCh38, chr11:7,987,578, plus strand): 5'-ACTGCGGCTCCTGGCCAGACCCCGGCCTCAGCGCAAGCTCCAGCGCAGACCCCAGCGCCC[GC>TG]TCTGCCTGGTCCTGCTCTTCCAGGGCCCTTCCCCGGCGGCCGCGTGGTCAGGCTGCACCC-3'
Protein context (NP_003745.1, residues 66-86): AQAPAQTPAP[Ala76Cys]LPGPALPGPF